The following is an entry in ClinVar:

ClinVar aggregate classification (germline): Uncertain significance. Review status: criteria provided, multiple submitters, no conflicts (2 of 4 stars). 2 submissions from 2 submitters: Uncertain significance (2). Last evaluated 2023-06-22.

Allele frequency attached by ClinVar (database versions not stated): gnomAD 0.00001.
gnomAD v4.1: 6 of 1,288,802 alleles (0.00047%); highest among the groups gnomAD compares: African/African-American, 0.0046%; no homozygotes.

Submissions (2):

GeneDx
Classification: Uncertain significance. Last evaluated: 2023-06-22. Review status: criteria provided, single submitter. Criteria: GeneDx Variant Classification Process June 2021. Collection method: clinical testing. Allele origin: germline. Affected: yes.
Comment: Not observed at significant frequency in large population cohorts (gnomAD); In silico analysis supports that this missense variant has a deleterious effect on protein structure/function; Has not been previously published as pathogenic or benign to our knowledge; This variant is associated with the following publications: (PMID: 30564623, 26687144)

Eurofins Ntd Llc (ga)
Classification: Uncertain significance. Last evaluated: 2016-09-06. Review status: criteria provided, single submitter. Criteria: EGL Classification Definitions 2015. Collection method: clinical testing. Allele origin: germline. Observed: 1 variant allele, 1 heterozygote.

NM_001101426.4(CRPPA):c.248C>T (p.Ala83Val)

Gene: CRPPA (CDP-L-ribitol pyrophosphorylase A; minus strand). Cytogenetic location: 7p21.2.
Variant type: single nucleotide variant.
Coding change: c.248C>T on transcript NM_001101426.4 (MANE Select); coding-DNA position 248, C replaced by T.
Protein change: p.Ala83Val; replaces alanine 83 with valine.
Molecular consequence: missense variant. On other transcripts: non-coding transcript variant (1).
Genome position (GRCh38, 1-based): chr7:16,421,075, G>A on the plus strand (C>T on the coding strand, the complement: CRPPA is on the minus strand). VCF-style: chr7-16421075-G-A. GRCh37 (hg19) VCF-style: chr7-16460700-G-A.
Other names: c.248C>T, p.Ala83Val (NM_001101417.4, NM_001368197.1); c.248C>T (NM_001101426.3); short protein forms A83V.
Identifiers: ClinVar variation 290627 (VCV000290627.6), dbSNP rs886044513, ClinGen allele CA10606853.